The following is an entry in ClinVar:

NM_005101.4(ISG15):c.458G>A (p.Arg153His)

Gene: ISG15 (ISG15 ubiquitin like modifier; plus strand). Cytogenetic location: 1p36.33.
Variant type: single nucleotide variant.
Coding change: c.458G>A on transcript NM_005101.4 (MANE Select); coding-DNA position 458, G replaced by A.
Protein change: p.Arg153His; replaces arginine 153 with histidine.
Molecular consequence: missense variant.
Genome position (GRCh38, 1-based): chr1:1,014,438, G>A. VCF-style: chr1-1014438-G-A. GRCh37 (hg19) VCF-style: chr1-949818-G-A.
Other names: short protein forms R153H.
Identifiers: ClinVar variation 2144316 (VCV002144316.4), dbSNP rs1557674450, ClinGen allele CA337806171.

ClinVar aggregate classification (germline): Uncertain significance (1 of 4 stars; one submission).

Conditions:
Mendelian susceptibility to mycobacterial diseases due to complete ISG15 deficiency. Also called: Immunodeficiency 38; IMMUNODEFICIENCY 38, MYCOBACTERIOSIS, AUTOSOMAL RECESSIVE; ISG15 DEFICIENCY, AUTOSOMAL RECESSIVE; Immunodeficiency 38 with basal ganglia calcification. Identifiers: Orphanet 319563, MedGen C4015293, MONDO:0014502, OMIM 616126.

Allele frequency attached by ClinVar (database versions not stated): gnomAD exomes 0.00001; TOPMed 0.00001.

Submission:

Labcorp Genetics (formerly Invitae), Labcorp
Classification: Uncertain significance for Mendelian susceptibility to mycobacterial diseases due to complete ISG15 deficiency. Last evaluated: 2022-07-21. Review status: criteria provided, single submitter. Criteria: Invitae Variant Classification Sherloc (09022015). Collection method: clinical testing. Allele origin: germline.
Comment: This variant has not been reported in the literature in individuals affected with ISG15-related conditions. This sequence change replaces arginine, which is basic and polar, with histidine, which is basic and polar, at codon 153 of the ISG15 protein (p.Arg153His). This variant is not present in population databases (gnomAD no frequency). Algorithms developed to predict the effect of missense changes on protein structure and function are either unavailable or do not agree on the potential impact of this missense change (SIFT: "Tolerated"; PolyPhen-2: "Probably Damaging"; Align-GVGD: "Class C0"). In summary, the available evidence is currently insufficient to determine the role of this variant in disease. Therefore, it has been classified as a Variant of Uncertain Significance.